The following is an entry in ClinVar:

ClinVar aggregate classification (germline): Uncertain significance (1 of 4 stars; one submission).

gnomAD v4.1: 20 of 1,614,242 alleles (0.0012%); highest among the groups gnomAD compares: Non-Finnish European, 0.0016%; no homozygotes.

Submission:

Women's Health and Genetics/Laboratory Corporation of America, LabCorp
Classification: Uncertain significance. Last evaluated: 2026-02-24. Review status: criteria provided, single submitter. Criteria: LabCorp Variant Classification Summary - May 2015. Collection method: clinical testing. Allele origin: germline.
Comment: Variant summary: TRPM4 c.3181C>T (p.Gln1061X) results in a premature termination codon, predicted to cause a truncation of the encoded protein or absence of the protein due to nonsense mediated decay, however current evidence is not sufficient to establish loss of function as a mechanism for disease. The variant was absent in 251458 control chromosomes. The available data on variant occurrences in the general population are insufficient to allow any conclusion about variant significance. c.3181C>T has been observed in a genetic testing for Cardiomyopathy without strong evidence for causality (Lesurf_2022). These report(s) do not provide unequivocal conclusions about association of the variant with Progressive Familial Heart Block Type 1B. To our knowledge, no experimental evidence demonstrating an impact on protein function has been reported. The following publication have been ascertained in the context of this evaluation (PMID: 35288587). No submitters have cited clinical-significance assessments for this variant to ClinVar. Based on the evidence outlined above, the variant was classified as uncertain significance.

Literature cited by the submitters: PubMed 35288587.

NM_017636.4(TRPM4):c.3181C>T (p.Gln1061Ter)

Gene: TRPM4 (transient receptor potential cation channel subfamily M member 4; plus strand). Cytogenetic location: 19q13.33.
Variant type: single nucleotide variant.
Coding change: c.3181C>T on transcript NM_017636.4 (MANE Select); coding-DNA position 3181, C replaced by T.
Protein change: p.Gln1061Ter; replaces glutamine 1061 with a stop codon.
Molecular consequence: nonsense.
Genome position (GRCh38, 1-based): chr19:49,210,258, C>T. VCF-style: chr19-49210258-C-T. GRCh37 (hg19) VCF-style: chr19-49713515-C-T.
Other names: c.2746C>T, p.Gln916Ter (NM_001195227.2); c.2836C>T, p.Gln946Ter (NM_001321281.2); c.1573C>T, p.Gln525Ter (NM_001321282.2); c.2659C>T, p.Gln887Ter (NM_001321283.2); c.2119C>T, p.Gln707Ter (NM_001321285.2); short protein forms Q1061*, Q525*, Q707*, Q887*, Q916*, Q946*.
Identifiers: ClinVar variation 4848156 (VCV004848156.1).